The following is an entry in ClinVar:

NM_001034853.2(RPGR):c.2621_2623del (p.Gly874del)

Gene: RPGR (retinitis pigmentosa GTPase regulator; minus strand). Cytogenetic location: Xp11.4.
Variant type: Deletion.
Coding change: c.2621_2623del on transcript NM_001034853.2 (MANE Select); coding-DNA positions 2621 to 2623, 3 bases deleted (GAG; older notation c.2621_2623delGAG).
Protein change: p.Gly874del; deletes glycine 874.
Molecular consequence: inframe deletion. On other transcripts: intron variant (8).
Genome position (GRCh38, 1-based): chrX:38,286,376-38,286,378, CTC deleted on the plus strand (GAG on the coding strand, the reverse complement: RPGR is on the minus strand); deleting any 3 consecutive bases within chrX:38,286,376-38,286,380 gives the same sequence; the c. name uses the placement nearest the transcript's 3' end. VCF-style (leftmost placement, unchanged base first): chrX-38286375-TCTC-T. GRCh37 (hg19) VCF-style: chrX-38145628-TCTC-T.
Other names: c.1569+4581_1569+4583del (NM_001367249.1, NM_001367250.1); c.1902+716_1902+718del (NM_001367245.1); c.1386+4581_1386+4583del (NM_001367251.1); c.1719+716_1719+718del (NM_001367246.1); c.1572+4581_1572+4583del (NM_001367247.1); c.1905+716_1905+718del (NM_000328.3); c.1602+4581_1602+4583del (NM_001367248.1); short protein forms G874del.
Identifiers: ClinVar variation 2900292 (VCV002900292.3), dbSNP rs1298062071, ClinGen allele CA875125725.

ClinVar aggregate classification (germline): Uncertain significance (1 of 4 stars; one submission).

Conditions:
Primary ciliary dyskinesia. Also called: Ciliary dyskinesia. Identifiers: Orphanet 244, MedGen C0008780, MONDO:0016575, HP:0012265.

Submission:

Labcorp Genetics (formerly Invitae), Labcorp
Classification: Uncertain significance for Primary ciliary dyskinesia. Last evaluated: 2023-03-23. Review status: criteria provided, single submitter. Criteria: Invitae Variant Classification Sherloc (09022015). Collection method: clinical testing. Allele origin: germline.
Comment: This variant, c.2621_2623del, results in the deletion of 1 amino acid(s) of the RPGR (ORF15) protein (p.Gly874del), but otherwise preserves the integrity of the reading frame. The frequency data for this variant in the population databases is considered unreliable, as metrics indicate insufficient coverage at this position in the gnomAD database. This variant has not been reported in the literature in individuals affected with RPGR (ORF15)-related conditions. Experimental studies and prediction algorithms are not available or were not evaluated, and the functional significance of this variant is currently unknown. In summary, the available evidence is currently insufficient to determine the role of this variant in disease. Therefore, it has been classified as a Variant of Uncertain Significance.